The following is an entry in ClinVar:

ClinVar aggregate classification (germline): Conflicting classifications of pathogenicity. Review status: criteria provided, conflicting classifications (1 of 4 stars). 3 submissions from 3 submitters: Uncertain significance (2); Likely benign (1). Last evaluated 2025-01-14.

Conditions:
Familial hypobetalipoproteinemia 1. Also called: APOB-Related Familial Hypobetalipoproteinemia; Hypobetalipoproteinemia, normotriglyceridemic; Acanthocytosis with hypobetalipoproteinemia. Identifiers: MedGen C4551990, MONDO:0014252, OMIM 615558.
Hypercholesterolemia, autosomal dominant, type B (FHCL2). Also called: APOLIPOPROTEIN B-100, FAMILIAL DEFECTIVE; APOLIPOPROTEIN B-100, FAMILIAL LIGAND-DEFECTIVE; HYPERCHOLESTEROLEMIA, FAMILIAL, DUE TO LIGAND-DEFECTIVE APOLIPOPROTEIN B; Familial Hypercholesterolemia Type B; Familial hypercholesterolemia 2; APOB-Related Familial Hypercholesterolemia, Autosomal Dominant. Identifiers: MedGen C1704417, MONDO:0007751, OMIM 144010.
Cardiovascular phenotype. Identifiers: MedGen CN230736.

Allele frequency attached by ClinVar (database versions not stated): gnomAD exomes below 0.00001.
gnomAD v4.1: 1 of 1,569,398 alleles (0.000064%); highest among the groups gnomAD compares: Admixed American, 0.0019%; no homozygotes.

Submissions (3):

Labcorp Genetics (formerly Invitae), Labcorp
Classification: Likely benign for Familial hypobetalipoproteinemia 1; Hypercholesterolemia, autosomal dominant, type B. Last evaluated: 2025-01-14. Review status: criteria provided, single submitter. Criteria: Invitae Variant Classification Sherloc (09022015). Collection method: clinical testing. Allele origin: germline.

GeneDx
Classification: Uncertain significance. Last evaluated: 2024-12-18. Review status: criteria provided, single submitter. Criteria: GeneDx Variant Classification Process June 2021. Collection method: clinical testing. Allele origin: germline. Affected: yes.
Comment: Not observed at significant frequency in large population cohorts (gnomAD); In silico analysis supports that this missense variant has a deleterious effect on protein structure/function; Has not been previously published as pathogenic or benign to our knowledge; Also known as D4097G

Ambry Genetics
Classification: Uncertain significance for Cardiovascular phenotype. Last evaluated: 2023-06-05. Review status: criteria provided, single submitter. Criteria: Ambry Variant Classification Scheme 2023. Collection method: clinical testing. Allele origin: germline.
Comment: The p.D4124G variant (also known as c.12371A>G), located in coding exon 29 of the APOB gene, results from an A to G substitution at nucleotide position 12371. The aspartic acid at codon 4124 is replaced by glycine, an amino acid with similar properties. This amino acid position is conserved. In addition, this alteration is predicted to be tolerated by in silico analysis. Since supporting evidence is limited at this time, the clinical significance of this alteration remains unclear.

NM_000384.3(APOB):c.12371A>G (p.Asp4124Gly)

Gene: APOB (apolipoprotein B; minus strand). Cytogenetic location: 2p24.1.
Variant type: single nucleotide variant.
Coding change: c.12371A>G on transcript NM_000384.3 (MANE Select); coding-DNA position 12371, A replaced by G.
Protein change: p.Asp4124Gly; replaces aspartic acid 4124 with glycine.
Molecular consequence: missense variant.
Genome position (GRCh38, 1-based): chr2:21,003,051, T>C on the plus strand (A>G on the coding strand, the complement: APOB is on the minus strand). VCF-style: chr2-21003051-T-C. GRCh37 (hg19) VCF-style: chr2-21225923-T-C.
Other names: short protein forms D4124G.
Identifiers: ClinVar variation 2565884 (VCV002565884.6), dbSNP rs1466195432, ClinGen allele CA345971396.
Genomic context (GRCh38, chr2:21,003,051, plus strand): 5'-CACTCTTGGTAGGTCCCAGTGGTGCCACTGGCTGCTTTCTGGAACCTCACGTCGATATCA[T>C]CAATTTGCCTAATGGCCCCTTGATAAACCCACTCAGCATTGTTCTGCAGATTTCTTCTCA-3'
Protein context (NP_000375.3, residues 4114-4134): WVYQGAIRQI[Asp4124Gly]DIDVRFQKAA